The following is an entry in ClinVar:

ClinVar aggregate classification (germline): Uncertain significance. Review status: criteria provided, multiple submitters, no conflicts (2 of 4 stars). 2 submissions from 2 submitters: Uncertain significance (2). Last evaluated 2023-12-18.

Conditions:
Catecholaminergic polymorphic ventricular tachycardia (CVPT). Also called: Catecholamine-induced polymorphic ventricular tachycardia. Identifiers: Orphanet 3286, MedGen C5574922, MONDO:0017990.
Catecholaminergic polymorphic ventricular tachycardia 1. Also called: VENTRICULAR TACHYCARDIA, CATECHOLAMINERGIC POLYMORPHIC, 1, WITH OR WITHOUT ATRIAL DYSFUNCTION AND/OR DILATED CARDIOMYOPATHY; RYR2-Related Catecholaminergic Polymorphic Ventricular Tachycardia; VENTRICULAR TACHYCARDIA, STRESS-INDUCED POLYMORPHIC 1. Identifiers: Orphanet 3286, MedGen C1631597, MONDO:0011484, OMIM 604772.

gnomAD v4.1: 3 of 1,594,480 alleles (0.00019%); highest among the groups gnomAD compares: South Asian, 0.0011%; no homozygotes.

Submissions (2):

All of Us Research Program, National Institutes of Health
Classification: Uncertain significance for Catecholaminergic polymorphic ventricular tachycardia. Last evaluated: 2023-12-18. Review status: criteria provided, single submitter. Criteria: ACMG Guidelines, 2015. Collection method: clinical testing. Allele origin: germline. Inheritance: Autosomal dominant inheritance. Observed: 1 variant allele, 1 heterozygote.
Comment: This missense variant replaces isoleucine with threonine at codon 4701 of the RYR2 protein. Computational prediction tool indicates that this variant may have deleterious impact on protein structure and function. To our knowledge, functional studies have not been reported for this variant. This variant has not been reported in individuals affected with RYR2-related disorders in the literature. This variant has not been identified in the general population by the Genome Aggregation Database (gnomAD). The available evidence is insufficient to determine the role of this variant in disease conclusively. Therefore, this variant is classified as a Variant of Uncertain Significance.

This study involves interpretation of variants in research participants for the purpose of population health screening. Participant phenotype was not available at the time of variant classification. Additional details can be found in publication PMID: 35346344, PMCID: PMC8962531

Labcorp Genetics (formerly Invitae), Labcorp
Classification: Uncertain significance for Catecholaminergic polymorphic ventricular tachycardia 1. Last evaluated: 2021-04-11. Review status: criteria provided, single submitter. Criteria: Invitae Variant Classification Sherloc (09022015). Collection method: clinical testing. Allele origin: germline.
Comment: In summary, the available evidence is currently insufficient to determine the role of this variant in disease. Therefore, it has been classified as a Variant of Uncertain Significance. Advanced modeling of protein sequence and biophysical properties (such as structural, functional, and spatial information, amino acid conservation, physicochemical variation, residue mobility, and thermodynamic stability) performed at Invitae indicates that this missense variant is not expected to disrupt RYR2 protein function. This variant has not been reported in the literature in individuals with RYR2-related conditions. This variant is not present in population databases (ExAC no frequency). This sequence change replaces isoleucine with threonine at codon 4701 of the RYR2 protein (p.Ile4701Thr). The isoleucine residue is highly conserved and there is a moderate physicochemical difference between isoleucine and threonine.

NM_001035.3(RYR2):c.14102T>C (p.Ile4701Thr)

Gene: RYR2 (ryanodine receptor 2; plus strand). Cytogenetic location: 1q43.
Variant type: single nucleotide variant.
Coding change: c.14102T>C on transcript NM_001035.3 (MANE Select); coding-DNA position 14102, T replaced by C.
Protein change: p.Ile4701Thr; replaces isoleucine 4701 with threonine.
Molecular consequence: missense variant.
Genome position (GRCh38, 1-based): chr1:237,801,867, T>C. VCF-style: chr1-237801867-T-C. GRCh37 (hg19) VCF-style: chr1-237965167-T-C.
Other names: short protein forms I4701T.
Identifiers: ClinVar variation 1440114 (VCV001440114.48), dbSNP rs2149419516, ClinGen allele CA345421057.